The following is an entry in ClinVar:

NM_024685.4(BBS10):c.1262T>C (p.Leu421Pro)

Gene: BBS10 (Bardet-Biedl syndrome 10; minus strand). Cytogenetic location: 12q21.2.
Variant type: single nucleotide variant.
Coding change: c.1262T>C on transcript NM_024685.4 (MANE Select); coding-DNA position 1262, T replaced by C.
Protein change: p.Leu421Pro; replaces leucine 421 with proline.
Molecular consequence: missense variant.
Genome position (GRCh38, 1-based): chr12:76,346,723, A>G on the plus strand (T>C on the coding strand, the complement: BBS10 is on the minus strand). VCF-style: chr12-76346723-A-G. GRCh37 (hg19) VCF-style: chr12-76740503-A-G.
Other names: short protein forms L421P.
Identifiers: ClinVar variation 4855440 (VCV004855440.1).

ClinVar aggregate classification (germline): Uncertain significance (1 of 4 stars; one submission).

Conditions:
Bardet-Biedl syndrome 10 (BBS10). Identifiers: Orphanet 110, MedGen C1859568, MONDO:0014438, OMIM 615987.

Submission:

3billion
Classification: Uncertain significance for Bardet-Biedl syndrome 10. Last evaluated: 2025-10-23. Review status: criteria provided, single submitter. Criteria: ACMG Guidelines, 2015. Collection method: clinical testing. Allele origin: germline. Affected: yes.
Comment: The variant is observed at an extremely low frequency in the gnomAD v4.1.0 dataset (total allele frequency: <0.001%). Predicted Consequence/Location: Missense variant. The majority of the known disease-causing variants of this gene are variants expected to result in premature termination of the protein. In silico tool predictions suggest damaging effect of the variant on gene or gene product [REVEL: 0.80 (>=0.6, sensitivity 0.68 and specificity 0.92)]. Different missense changes at the same codon have been reported as of uncertain significance (ClinVar ID: VCV003353623). Therefore, this variant is classified as VUS according to the recommendation of ACMG/AMP guideline.